The following is an entry in ClinVar:

NM_006348.5(COG5):c.1539G>C (p.Lys513Asn)

Gene: COG5 (component of oligomeric golgi complex 5; minus strand). Cytogenetic location: 7q22.3.
Variant type: single nucleotide variant.
Coding change: c.1539G>C on transcript NM_006348.5 (MANE Select); coding-DNA position 1539, G replaced by C.
Protein change: p.Lys513Asn; replaces lysine 513 with asparagine.
Molecular consequence: missense variant.
Genome position (GRCh38, 1-based): chr7:107,281,336, C>G on the plus strand (G>C on the coding strand, the complement: COG5 is on the minus strand). VCF-style: chr7-107281336-C-G. GRCh37 (hg19) VCF-style: chr7-106921781-C-G.
Other names: c.1539G>C, p.Lys513Asn (NM_001161520.2, NM_001379512.1, NM_001379513.1 and 2 more transcripts); c.1377G>C, p.Lys459Asn (NM_001379511.1); c.969G>C, p.Lys323Asn (NM_001379515.1); c.825G>C, p.Lys275Asn (NM_001379516.1); short protein forms K459N, K513N, K275N, K323N.
Identifiers: ClinVar variation 1350959 (VCV001350959.8), dbSNP rs1805147503, ClinGen allele CA368937877.

ClinVar aggregate classification (germline): Uncertain significance (1 of 4 stars; one submission).

Conditions:
COG5-congenital disorder of glycosylation. Also called: CONGENITAL DISORDER OF GLYCOSYLATION, TYPE IIi; CDG IIi; COG5-CDG. Identifiers: Orphanet 263487, MedGen C3150876, MONDO:0013325, OMIM 613612.

Allele frequency attached by ClinVar (database versions not stated): gnomAD exomes below 0.00001.
gnomAD v4.1: 2 of 1,613,424 alleles (0.00012%); highest among the groups gnomAD compares: East Asian, 0.0045%; no homozygotes.

Submission:

Labcorp Genetics (formerly Invitae), Labcorp
Classification: Uncertain significance for COG5-congenital disorder of glycosylation. Last evaluated: 2024-01-17. Review status: criteria provided, single submitter. Criteria: Invitae Variant Classification Sherloc (09022015). Collection method: clinical testing. Allele origin: germline.
Comment: This sequence change replaces lysine, which is basic and polar, with asparagine, which is neutral and polar, at codon 544 of the COG5 protein (p.Lys544Asn). This variant is not present in population databases (gnomAD no frequency). This variant has not been reported in the literature in individuals affected with COG5-related conditions. ClinVar contains an entry for this variant (Variation ID: 1350959). An algorithm developed to predict the effect of missense changes on protein structure and function (PolyPhen-2) suggests that this variant is likely to be disruptive. In summary, the available evidence is currently insufficient to determine the role of this variant in disease. Therefore, it has been classified as a Variant of Uncertain Significance.